The following is an entry in ClinVar:

NM_213649.2(SFXN4):c.747G>A (p.Thr249=)

Gene: SFXN4 (sideroflexin 4; minus strand). Cytogenetic location: 10q26.11.
Variant type: single nucleotide variant.
Coding change: c.747G>A on transcript NM_213649.2 (MANE Select); coding-DNA position 747, G replaced by A.
Protein change: p.Thr249=; no amino-acid change (threonine 249 retained).
Molecular consequence: synonymous variant. On other transcripts: non-coding transcript variant (1).
Genome position (GRCh38, 1-based): chr10:119,147,846, C>T on the plus strand (G>A on the coding strand, the complement: SFXN4 is on the minus strand). VCF-style: chr10-119147846-C-T. GRCh37 (hg19) VCF-style: chr10-120907358-C-T.
Identifiers: ClinVar variation 381437 (VCV000381437.12), dbSNP rs12266664, ClinGen allele CA5714400.
Genomic context (GRCh38, chr10:119,147,846, plus strand): 5'-GTAGGTGAAGACTTCAGGAATCAGAGCTGAGGTCCCAAACAGCACTATTCTGGATGCTAG[C>T]GTTTCTCTAACAGCCTAGCAAAAATGAAAAGAAAACAGCTTAGGTTGGGCACGGTGGCTC-3'
Protein context (NP_998814.1, residues 239-259): RIAGTKAVRE[Thr249=]LASRIVLFGT

ClinVar aggregate classification (germline): Benign. Review status: criteria provided, multiple submitters, no conflicts (2 of 4 stars). 3 submissions from 3 submitters: Benign (3). Last evaluated 2026-01-08.

Allele frequency attached by ClinVar (database versions not stated): ESP Exome Variant Server 0.00069; gnomAD 0.00103 and 0.00190; TOPMed 0.00115; gnomAD exomes 0.00387; ExAC 0.00418; 1000 Genomes Project 30x 0.00531; 1000 Genomes Project 0.00539.
gnomAD v4.1: 4,367 of 1,613,924 alleles (0.27%); highest among the groups gnomAD compares: South Asian, 2.3%; 60 homozygotes.

Submissions (3):

Labcorp Genetics (formerly Invitae), Labcorp
Classification: Benign. Last evaluated: 2026-01-08. Review status: criteria provided, single submitter. Criteria: Invitae Variant Classification Sherloc (09022015). Collection method: clinical testing. Allele origin: germline.

GeneDx
Classification: Benign. Last evaluated: 2016-08-23. Review status: criteria provided, single submitter. Criteria: GeneDx Variant Classification (06012015). Collection method: clinical testing. Allele origin: germline. Affected: yes.
Comment: This variant is considered likely benign or benign based on one or more of the following criteria: it is a conservative change, it occurs at a poorly conserved position in the protein, it is predicted to be benign by multiple in silico algorithms, and/or has population frequency not consistent with disease.

Breakthrough Genomics
Classification: Benign. Review status: criteria provided, single submitter. Criteria: ACMG Guidelines, 2015. Collection method: not provided. Allele origin: germline. Inheritance: Autosomal recessive inheritance. Affected: yes.